The following is an entry in ClinVar:

NM_001330360.2(POLA1):c.145G>A (p.Ala49Thr)

Gene: POLA1 (DNA polymerase alpha 1, catalytic subunit; plus strand). Cytogenetic location: Xp22.11.
Variant type: single nucleotide variant.
Coding change: c.145G>A on transcript NM_001330360.2 (MANE Select); coding-DNA position 145, G replaced by A.
Protein change: p.Ala49Thr; replaces alanine 49 with threonine.
Molecular consequence: missense variant. On other transcripts: non-coding transcript variant (2).
Genome position (GRCh38, 1-based): chrX:24,699,526, G>A. VCF-style: chrX-24699526-G-A. GRCh37 (hg19) VCF-style: chrX-24717643-G-A.
Other names: c.145G>A, p.Ala49Thr (NM_001378303.1); c.127G>A, p.Ala43Thr (NM_016937.4); short protein forms A49T, A43T.
Identifiers: ClinVar variation 1404317 (VCV001404317.8), dbSNP rs1382339749, ClinGen allele CA412609974.
Genomic context (GRCh38, chrX:24,699,526, plus strand): 5'-CGAGAAAAAAAATCAAAGAAGGGGCGCCAAGAAGCCCTAGAAAGACTGAAAAAGGCTAAA[G>A]CTGGTGAGAAGTATAAATATGAAGTAAGTAACCATTTTTCTTCTTTATTCTTCCTGTGCA-3'
Protein context (NP_001317289.1, residues 39-59): EALERLKKAK[Ala49Thr]GEKYKYEVED

ClinVar aggregate classification (germline): Uncertain significance (1 of 4 stars; one submission).

Allele frequency attached by ClinVar (database versions not stated): gnomAD exomes 0.00001 and 0.00002; gnomAD 0.00002; TOPMed 0.00002.
gnomAD v4.1: 23 of 1,173,151 alleles (0.002%); highest among the groups gnomAD compares: Non-Finnish European, 0.0026%; no homozygotes.

Submission:

Labcorp Genetics (formerly Invitae), Labcorp
Classification: Uncertain significance. Last evaluated: 2024-05-09. Review status: criteria provided, single submitter. Criteria: Invitae Variant Classification Sherloc (09022015). Collection method: clinical testing. Allele origin: germline.
Comment: This sequence change replaces alanine, which is neutral and non-polar, with threonine, which is neutral and polar, at codon 43 of the POLA1 protein (p.Ala43Thr). The frequency data for this variant in the population databases is considered unreliable, as metrics indicate poor data quality at this position in the gnomAD database. This variant has not been reported in the literature in individuals affected with POLA1-related conditions. ClinVar contains an entry for this variant (Variation ID: 1404317). Advanced modeling of protein sequence and biophysical properties (such as structural, functional, and spatial information, amino acid conservation, physicochemical variation, residue mobility, and thermodynamic stability) performed at Invitae indicates that this missense variant is not expected to disrupt POLA1 protein function with a negative predictive value of 80%. In summary, the available evidence is currently insufficient to determine the role of this variant in disease. Therefore, it has been classified as a Variant of Uncertain Significance.